The following is an entry in ClinVar:

ClinVar aggregate classification (germline): Uncertain significance (1 of 4 stars; one submission).

Submission:

GeneDx
Classification: Uncertain significance. Last evaluated: 2024-03-22. Review status: criteria provided, single submitter. Criteria: GeneDx Variant Classification Process June 2021. Collection method: clinical testing. Allele origin: germline. Affected: yes.
Comment: Not observed at significant frequency in large population cohorts (gnomAD); In silico analysis supports that this missense variant has a deleterious effect on protein structure/function; Has not been previously published as pathogenic or benign to our knowledge; Variants in candidate genes are classified as variants of uncertain significance in accordance with ACMG guidelines (PMID: 25741868)

NM_006178.4(NSF):c.1700T>C (p.Ile567Thr)

Genes: LRRC37A2 (leucine rich repeat containing 37 member A2), NSF (N-ethylmaleimide sensitive factor, vesicle fusing ATPase; plus strand). Cytogenetic location: 17q21.31.
Variant type: single nucleotide variant.
Coding change: c.1700T>C on transcript NM_006178.4 (MANE Select); coding-DNA position 1700, T replaced by C.
Protein change: p.Ile567Thr; replaces isoleucine 567 with threonine.
Molecular consequence: missense variant. On other transcripts: non-coding transcript variant (1).
Genome position (GRCh38, 1-based): chr17:46,713,925, T>C. VCF-style: chr17-46713925-T-C. GRCh37 (hg19) VCF-style: chr17-44791291-T-C.
Other names: short protein forms I567T.
Identifiers: ClinVar variation 3769901 (VCV003769901.1).